The following is an entry in ClinVar:

ClinVar aggregate classification (germline): Likely benign (1 of 4 stars; one submission).

gnomAD v4.1: 116 of 1,601,614 alleles (0.0072%); highest among the groups gnomAD compares: Non-Finnish European, 0.0093%; no homozygotes.

Submission:

CeGaT Center for Human Genetics Tuebingen
Classification: Likely benign. Last evaluated: 2026-02-01. Review status: criteria provided, single submitter. Criteria: CeGaT Center For Human Genetics Tuebingen Variant Classification Criteria Version 2. Collection method: clinical testing. Allele origin: germline. Affected: yes. Observed: 1 variant allele.
Comment: PRR12: BS2

NM_020719.3(PRR12):c.1741G>A (p.Gly581Ser)

Gene: PRR12 (proline rich 12; plus strand). Cytogenetic location: 19q13.33.
Variant type: single nucleotide variant.
Coding change: c.1741G>A on transcript NM_020719.3 (MANE Select); coding-DNA position 1741, G replaced by A.
Protein change: p.Gly581Ser; replaces glycine 581 with serine.
Molecular consequence: missense variant.
Genome position (GRCh38, 1-based): chr19:49,596,076, G>A. VCF-style: chr19-49596076-G-A. GRCh37 (hg19) VCF-style: chr19-50099333-G-A.
Other names: short protein forms G581S.
Identifiers: ClinVar variation 4820657 (VCV004820657.4).